The following is an entry in ClinVar:

NM_000304.4(PMP22):c.83G>T (p.Trp28Leu)

Gene: PMP22 (peripheral myelin protein 22; minus strand). Cytogenetic location: 17p12.
Variant type: single nucleotide variant.
Coding change: c.83G>T on transcript NM_000304.4 (MANE Select); coding-DNA position 83, G replaced by T.
Protein change: p.Trp28Leu; replaces tryptophan 28 with leucine.
Molecular consequence: missense variant. On other transcripts: non-coding transcript variant (1).
Genome position (GRCh38, 1-based): chr17:15,259,189, C>A on the plus strand (G>T on the coding strand, the complement: PMP22 is on the minus strand). VCF-style: chr17-15259189-C-A. GRCh37 (hg19) VCF-style: chr17-15162506-C-A.
Other names: c.83G>T, p.Trp28Leu (NM_001281455.2, NM_001281456.2, NM_001330143.2 and 2 more transcripts); short protein forms W28L.
Identifiers: ClinVar variation 3678984 (VCV003678984.2).

ClinVar aggregate classification (germline): Uncertain significance (1 of 4 stars; one submission).

Conditions:
Charcot-Marie-Tooth disease, type I (CMT1). Also called: Charcot-Marie-Tooth, Type 1; Charcot-Marie-Tooth disease type 1. Identifiers: Orphanet 65753, MedGen C0751036, MONDO:0019011.

Submission:

Labcorp Genetics (formerly Invitae), Labcorp
Classification: Uncertain significance for Charcot-Marie-Tooth disease, type I. Last evaluated: 2024-05-25. Review status: criteria provided, single submitter. Criteria: Invitae Variant Classification Sherloc (09022015). Collection method: clinical testing. Allele origin: germline.
Comment: This sequence change replaces tryptophan, which is neutral and slightly polar, with leucine, which is neutral and non-polar, at codon 28 of the PMP22 protein (p.Trp28Leu). This variant is not present in population databases (gnomAD no frequency). This variant has not been reported in the literature in individuals affected with PMP22-related conditions. An algorithm developed to predict the effect of missense changes on protein structure and function (PolyPhen-2) suggests that this variant is likely to be disruptive. This variant disrupts the p.Trp28 amino acid residue in PMP22. Other variant(s) that disrupt this residue have been observed in individuals with PMP22-related conditions (PMID: 11835375, 34332267), which suggests that this may be a clinically significant amino acid residue. In summary, the available evidence is currently insufficient to determine the role of this variant in disease. Therefore, it has been classified as a Variant of Uncertain Significance.

Literature cited by the submitters: PubMed 11835375; PubMed 34332267.